The following is an entry in ClinVar:

ClinVar aggregate classification (germline): Uncertain significance. Review status: criteria provided, multiple submitters, no conflicts (2 of 4 stars). 2 submissions from 2 submitters: Uncertain significance (2). Last evaluated 2025-02-17.

Conditions:
Hereditary cancer-predisposing syndrome. Also called: Neoplastic Syndromes, Hereditary; Tumor predisposition; Hereditary neoplastic syndrome; Hereditary Cancer Syndrome. Identifiers: Orphanet 140162, MedGen C0027672, MeSH D009386, MONDO:0015356.
Renal cell carcinoma. Identifiers: Orphanet 217071, MedGen C0007134, MeSH D002292, MONDO:0005086, HP:0005584.

Allele frequency attached by ClinVar (database versions not stated): gnomAD 0.00001.
gnomAD v4.1: 1 of 1,601,434 alleles (0.000062%); highest among the groups gnomAD compares: East Asian, 0.0022%; no homozygotes.

Submissions (2):

Labcorp Genetics (formerly Invitae), Labcorp
Classification: Uncertain significance for Renal cell carcinoma. Last evaluated: 2025-02-17. Review status: criteria provided, single submitter. Criteria: Invitae Variant Classification Sherloc (09022015). Collection method: clinical testing. Allele origin: germline.
Comment: This sequence change replaces cysteine, which is neutral and slightly polar, with arginine, which is basic and polar, at codon 385 of the MET protein (p.Cys385Arg). This variant is not present in population databases (gnomAD no frequency). This variant has not been reported in the literature in individuals affected with MET-related conditions. ClinVar contains an entry for this variant (Variation ID: 2453424). Invitae Evidence Modeling of protein sequence and biophysical properties (such as structural, functional, and spatial information, amino acid conservation, physicochemical variation, residue mobility, and thermodynamic stability) indicates that this missense variant is not expected to disrupt MET protein function with a negative predictive value of 80%. In summary, the available evidence is currently insufficient to determine the role of this variant in disease. Therefore, it has been classified as a Variant of Uncertain Significance.

Ambry Genetics
Classification: Uncertain significance for Hereditary cancer-predisposing syndrome. Last evaluated: 2023-02-28. Review status: criteria provided, single submitter. Criteria: Ambry Variant Classification Scheme 2023. Collection method: clinical testing. Allele origin: germline.
Comment: The p.C385R variant (also known as c.1153T>C), located in coding exon 1 of the MET gene, results from a T to C substitution at nucleotide position 1153. The cysteine at codon 385 is replaced by arginine, an amino acid with highly dissimilar properties. This amino acid position is conserved. In addition, the in silico prediction for this alteration is inconclusive. Since supporting evidence is limited at this time, the clinical significance of this alteration remains unclear.

NM_000245.4(MET):c.1153T>C (p.Cys385Arg)

Gene: MET (MET proto-oncogene, receptor tyrosine kinase; plus strand). Cytogenetic location: 7q31.2.
Variant type: single nucleotide variant.
Coding change: c.1153T>C on transcript NM_000245.4 (MANE Select); coding-DNA position 1153, T replaced by C.
Protein change: p.Cys385Arg; replaces cysteine 385 with arginine.
Molecular consequence: missense variant. On other transcripts: intron variant (1).
Genome position (GRCh38, 1-based): chr7:116,700,237, T>C. VCF-style: chr7-116700237-T-C. GRCh37 (hg19) VCF-style: chr7-116340291-T-C.
Other names: c.1153T>C, p.Cys385Arg (NM_001127500.3, NM_001324401.3); c.-91+27660T>C (NM_001324402.2); short protein forms C385R.
Identifiers: ClinVar variation 2453424 (VCV002453424.3), dbSNP rs1562884601, ClinGen allele CA368970659.
Genomic context (GRCh38, chr7:116,700,237, plus strand): 5'-TTCCCTATCAAATATGTCAACGACTTCTTCAACAAGATCGTCAACAAAAACAATGTGAGA[T>C]GTCTCCAGCATTTTTACGGACCCAATCATGAGCACTGCTTTAATAGGGTAAGTCACATCA-3'
Protein context (NP_000236.2, residues 375-395): NKIVNKNNVR[Cys385Arg]LQHFYGPNHE